The following is an entry in ClinVar:

NM_000548.5(TSC2):c.3091G>C (p.Ala1031Pro)

Gene: TSC2 (TSC complex subunit 2; plus strand). Cytogenetic location: 16p13.3.
Variant type: single nucleotide variant.
Coding change: c.3091G>C on transcript NM_000548.5 (MANE Select); coding-DNA position 3091, G replaced by C.
Protein change: p.Ala1031Pro; replaces alanine 1031 with proline.
Molecular consequence: missense variant. On other transcripts: non-coding transcript variant (5).
Genome position (GRCh38, 1-based): chr16:2,079,156, G>C. VCF-style: chr16-2079156-G-C. GRCh37 (hg19) VCF-style: chr16-2129157-G-C.
Other names: c.2959G>C, p.Ala987Pro (NM_001077183.3, NM_001370404.1, NM_001406665.1); c.3091G>C, p.Ala1031Pro (NM_001114382.3); c.2851G>C, p.Ala951Pro (NM_001318827.2); c.2815G>C, p.Ala939Pro (NM_001318829.2); c.2359G>C, p.Ala787Pro (NM_001318831.2, NM_001406688.1, NM_001406687.1); c.2992G>C, p.Ala998Pro (NM_001318832.2); c.2962G>C, p.Ala988Pro (NM_001363528.2, NM_001370405.1, NM_021055.3); c.3088G>C, p.Ala1030Pro (NM_001406663.1, NM_001406664.1); and 18 more; short protein forms A1017P, A834P, A950P, A982P, A998P, A1030P, A1031P, A938P.
Identifiers: ClinVar variation 2835323 (VCV002835323.3), dbSNP rs2151433921, ClinGen allele CA394284679.

ClinVar aggregate classification (germline): Uncertain significance (1 of 4 stars; one submission).

Conditions:
Tuberous sclerosis 2 (TSC2). Identifiers: Orphanet 805, MedGen C1860707, MONDO:0013199, OMIM 613254.

Submission:

Labcorp Genetics (formerly Invitae), Labcorp
Classification: Uncertain significance for Tuberous sclerosis 2. Last evaluated: 2023-07-13. Review status: criteria provided, single submitter. Criteria: Invitae Variant Classification Sherloc (09022015). Collection method: clinical testing. Allele origin: germline.
Comment: This variant is not present in population databases (gnomAD no frequency). This sequence change replaces alanine, which is neutral and non-polar, with proline, which is neutral and non-polar, at codon 1031 of the TSC2 protein (p.Ala1031Pro). This variant has not been reported in the literature in individuals affected with TSC2-related conditions. Advanced modeling of protein sequence and biophysical properties (such as structural, functional, and spatial information, amino acid conservation, physicochemical variation, residue mobility, and thermodynamic stability) has been performed at Invitae for this missense variant, however the output from this modeling did not meet the statistical confidence thresholds required to predict the impact of this variant on TSC2 protein function. In summary, the available evidence is currently insufficient to determine the role of this variant in disease. Therefore, it has been classified as a Variant of Uncertain Significance.